The following is an entry in ClinVar:

NM_015631.6(TCTN3):c.1203+69T>C

Gene: TCTN3 (tectonic family member 3; minus strand). Cytogenetic location: 10q24.1.
Variant type: single nucleotide variant.
Coding change: c.1203+69T>C on transcript NM_015631.6 (MANE Select); 69 bases into the intron after coding-DNA position 1203, T replaced by C.
Molecular consequence: intron variant.
Genome position (GRCh38, 1-based): chr10:95,683,453, A>G on the plus strand (T>C on the coding strand, the complement: TCTN3 is on the minus strand). VCF-style: chr10-95683453-A-G. GRCh37 (hg19) VCF-style: chr10-97443210-A-G.
Other names: c.759+69T>C (NM_001143973.2); c.1122+69T>C (NM_001410982.1).
Identifiers: ClinVar variation 3257075 (VCV003257075.17).
Genomic context (GRCh38, chr10:95,683,453, plus strand): 5'-TTAGTATATAAGTACCTCATTATAATGAACAAAAAATTCCTCACCTTTGGCTAGTCTAAC[A>G]TAAGTTTGAAAGCCTTTGCAGCTTTTCTCATTAGGCTGCAACAGGCCACCCAGCTCTAAA-3'

ClinVar aggregate classification (germline): Likely benign (1 of 4 stars; one submission).

gnomAD v4.1: 70 of 1,613,220 alleles (0.0043%); highest among the groups gnomAD compares: East Asian, 0.051%; no homozygotes.

Submission:

CeGaT Center for Human Genetics Tuebingen
Classification: Likely benign. Last evaluated: 2024-07-01. Review status: criteria provided, single submitter. Criteria: CeGaT Center For Human Genetics Tuebingen Variant Classification Criteria Version 2. Collection method: clinical testing. Allele origin: germline. Affected: yes. Observed: 1 variant allele.
Comment: TCTN3: BP4, BP7